The following is an entry in ClinVar:

NM_001079872.2(CUL4B):c.914C>G (p.Ser305Cys)

Gene: CUL4B (cullin 4B; minus strand). Cytogenetic location: Xq24.
Variant type: single nucleotide variant.
Coding change: c.914C>G on transcript NM_001079872.2 (MANE Select); coding-DNA position 914, C replaced by G.
Protein change: p.Ser305Cys; replaces serine 305 with cysteine.
Molecular consequence: missense variant.
Genome position (GRCh38, 1-based): chrX:120,545,450, G>C on the plus strand (C>G on the coding strand, the complement: CUL4B is on the minus strand). VCF-style: chrX-120545450-G-C. GRCh37 (hg19) VCF-style: chrX-119679305-G-C.
Other names: c.929C>G, p.Ser310Cys (NM_001330624.2); c.380C>G, p.Ser127Cys (NM_001369145.1); c.968C>G, p.Ser323Cys (NM_003588.4); short protein forms S127C, S305C, S310C, S323C.
Identifiers: ClinVar variation 3360672 (VCV003360672.1).

ClinVar aggregate classification (germline): Uncertain significance (1 of 4 stars; one submission).

Submission:

GeneDx
Classification: Uncertain significance. Last evaluated: 2023-07-13. Review status: criteria provided, single submitter. Criteria: GeneDx Variant Classification Process June 2021. Collection method: clinical testing. Allele origin: germline. Affected: yes.
Comment: Not observed at significant frequency in large population cohorts (gnomAD); In silico analysis supports that this missense variant has a deleterious effect on protein structure/function; Has not been previously published as pathogenic or benign to our knowledge